The following is an entry in ClinVar:

ClinVar aggregate classification (germline): Benign/Likely benign. Review status: criteria provided, multiple submitters, no conflicts (2 of 4 stars). 5 submissions from 5 submitters: Benign (3); Likely benign (2). Last evaluated 2026-02-04.

Conditions:
Immunodeficiency-centromeric instability-facial anomalies syndrome 4 (ICF4). Identifiers: Orphanet 2268, MedGen C4310798, MONDO:0014829, OMIM 616911.

Allele frequency attached by ClinVar (database versions not stated): 1000 Genomes Project 0.00180; 1000 Genomes Project 30x 0.00187; TOPMed 0.00385; ExAC 0.00523; gnomAD 0.00533 and 0.00550; ESP Exome Variant Server 0.00538; gnomAD exomes 0.00563.
gnomAD v4.1: 10,882 of 1,610,636 alleles (0.68%); highest among the groups gnomAD compares: Non-Finnish European, 0.75%; 51 homozygotes.

Submissions (5):

Labcorp Genetics (formerly Invitae), Labcorp
Classification: Benign. Last evaluated: 2026-02-04. Review status: criteria provided, single submitter. Criteria: Invitae Variant Classification Sherloc (09022015). Collection method: clinical testing. Allele origin: germline.

ARUP Laboratories, Molecular Genetics and Genomics, ARUP Laboratories
Classification: Benign for Immunodeficiency-centromeric instability-facial anomalies syndrome 4. Last evaluated: 2025-05-29. Review status: criteria provided, single submitter. Criteria: ARUP Molecular Germline Variant Investigation Process 2024. Collection method: clinical testing. Allele origin: germline.

CeGaT Center for Human Genetics Tuebingen
Classification: Likely benign. Last evaluated: 2024-08-01. Review status: criteria provided, single submitter. Criteria: CeGaT Center For Human Genetics Tuebingen Variant Classification Criteria Version 2. Collection method: clinical testing. Allele origin: germline. Affected: yes. Observed: 3 variant alleles.
Comment: HELLS: BP4, BP7, BS2

Fulgent Genetics
Classification: Likely benign for Immunodeficiency-centromeric instability-facial anomalies syndrome 4. Last evaluated: 2021-09-21. Review status: criteria provided, single submitter. Criteria: ACMG Guidelines, 2015. Collection method: clinical testing. Allele origin: unknown.

Breakthrough Genomics
Classification: Benign. Review status: criteria provided, single submitter. Criteria: ACMG Guidelines, 2015. Collection method: not provided. Allele origin: germline. Inheritance: Autosomal recessive inheritance. Affected: yes.

NM_018063.5(HELLS):c.993G>A (p.Thr331=)

Gene: HELLS (helicase, lymphoid specific; plus strand). Cytogenetic location: 10q23.33.
Variant type: single nucleotide variant.
Coding change: c.993G>A on transcript NM_018063.5 (MANE Select); coding-DNA position 993, G replaced by A.
Protein change: p.Thr331=; no amino-acid change (threonine 331 retained).
Molecular consequence: synonymous variant. On other transcripts: 5 prime UTR variant (1), intron variant (3).
Genome position (GRCh38, 1-based): chr10:94,576,766, G>A. VCF-style: chr10-94576766-G-A. GRCh37 (hg19) VCF-style: chr10-96336523-G-A.
Other names: c.993G>A, p.Thr331= (NM_001289067.2, NM_001289070.2); c.945G>A, p.Thr315= (NM_001289068.2); c.621G>A, p.Thr207= (NM_001289071.2); c.579G>A, p.Thr193= (NM_001289073.2); c.-29G>A (NM_001289075.2); c.-67+57G>A (NM_001289074.2); c.936+57G>A (NM_001289069.2, NM_001289072.2).
Identifiers: ClinVar variation 710853 (VCV000710853.46), dbSNP rs112321661, ClinGen allele CA5615394.
Genomic context (GRCh38, chr10:94,576,766, plus strand): 5'-ATTGGTAAGAAATATTTACAAACGGAAAGGGACTTTGCAGATTCATCCTGTGGTAATCAC[G>A]TCATTTGAAATAGCCATGAGAGACCGAAATGCGTTACAGGTACAAATGATCTTCATTGGT-3'
Protein context (NP_060533.2, residues 321-341): GTLQIHPVVI[Thr331=]SFEIAMRDRN